The following is an entry in ClinVar:

ClinVar aggregate classification (germline): Uncertain significance (1 of 4 stars; one submission).

Conditions:
Biotinidase deficiency. Also called: BTD deficiency; Late-onset biotin-responsive multiple carboxylase deficiency; Biotin deficiency. Identifiers: Orphanet 79241, MedGen C0220754, MONDO:0009665, OMIM 253260.

Submission:

Labcorp Genetics (formerly Invitae), Labcorp
Classification: Uncertain significance for Biotinidase deficiency. Last evaluated: 2025-01-08. Review status: criteria provided, single submitter. Criteria: Invitae Variant Classification Sherloc (09022015). Collection method: clinical testing. Allele origin: germline.
Comment: This sequence change replaces alanine, which is neutral and non-polar, with tyrosine, which is neutral and polar, at codon 271 of the BTD protein (p.Ala271Tyr). Information on the frequency of this variant in the gnomAD database is not available, as this variant may be reported differently in the database. This missense change has been observed in individual(s) with biotinidase deficiency (PMID: 22698809). This variant is also known as 810T>C; 811G>T; 812C>A. ClinVar contains an entry for this variant (Variation ID: 2203316). Experimental studies and prediction algorithms are not available or were not evaluated, and the functional significance of this variant is currently unknown. In summary, the available evidence is currently insufficient to determine the role of this variant in disease. Therefore, it has been classified as a Variant of Uncertain Significance.

Literature cited by the submitters: PubMed 22698809.

NM_001370658.1(BTD):c.750_752delinsCTA (p.Ala251Tyr)

Gene: BTD (biotinidase; plus strand). Cytogenetic location: 3p25.1.
Variant type: Indel.
Coding change: c.750_752delinsCTA on transcript NM_001370658.1 (MANE Select); coding-DNA positions 750 to 752, TGC replaced by CTA.
Protein change: p.Ala251Tyr; replaces alanine 251 with tyrosine.
Molecular consequence: missense variant. On other transcripts: intron variant (1).
Genome position (GRCh38, 1-based): chr3:15,644,666-15,644,668, TGC replaced by CTA. VCF-style: chr3-15644666-TGC-CTA. GRCh37 (hg19) VCF-style: chr3-15686173-TGC-CTA.
Other names: c.810_812delTGCinsCTA, p.Ala271Tyr (NM_000060.4); c.750_752delTGCinsCTA, p.Ala251Tyr (NM_001281723.4, NM_001281725.3, NM_001323582.2 and 16 more transcripts); c.750_752delinsCTA, p.Ala251Tyr (NM_001281724.3, NM_001370752.1); c.399+2609_399+2611delinsCTA (NM_001370753.1); short protein forms A251Y, A271Y.
Identifiers: ClinVar variation 2203316 (VCV002203316.4), dbSNP rs2471513575, ClinGen allele CA2580068524.